The following is an entry in ClinVar:

NM_001164508.2(NEB):c.9586C>G (p.Leu3196Val)

Gene: NEB (nebulin; minus strand). Cytogenetic location: 2q23.3.
Variant type: single nucleotide variant.
Coding change: c.9586C>G on transcript NM_001164508.2 (MANE Select); coding-DNA position 9586, C replaced by G.
Protein change: p.Leu3196Val; replaces leucine 3196 with valine.
Molecular consequence: missense variant.
Genome position (GRCh38, 1-based): chr2:151,631,175, G>C on the plus strand (C>G on the coding strand, the complement: NEB is on the minus strand). VCF-style: chr2-151631175-G-C. GRCh37 (hg19) VCF-style: chr2-152487689-G-C.
Other names: c.9586C>G, p.Leu3196Val (NM_001164507.2, NM_001271208.2); c.8857C>G, p.Leu2953Val (NM_004543.5); short protein forms L3196V, L2953V.
Identifiers: ClinVar variation 2188530 (VCV002188530.4), dbSNP rs2552238263, ClinGen allele CA348799713.
Genomic context (GRCh38, chr2:151,631,175, plus strand): 5'-GGAGAAGCTTAAGGCAGCTAGGACTCACCTTATTCATGTTGAGAGCATTGTTCTTGGCCA[G>C]CACCTGCTCTAGAGAATCAGTCACACTGGTAAATTTCAGCTTGTCCGGAGGCTGGCGGTA-3'
Protein context (NP_001157980.2, residues 3186-3206): TSVTDSLEQV[Leu3196Val]AKNNALNMNK

ClinVar aggregate classification (germline): Uncertain significance (1 of 4 stars; one submission).

Conditions:
Nemaline myopathy 2 (NEM2). Also called: Nemaline myopathy 2, autosomal recessive. Identifiers: MedGen C1850569, MONDO:0009725, OMIM 256030.

Submission:

Labcorp Genetics (formerly Invitae), Labcorp
Classification: Uncertain significance for Nemaline myopathy 2. Last evaluated: 2022-08-17. Review status: criteria provided, single submitter. Criteria: Invitae Variant Classification Sherloc (09022015). Collection method: clinical testing. Allele origin: germline.
Comment: This variant has not been reported in the literature in individuals affected with NEB-related conditions. In summary, the available evidence is currently insufficient to determine the role of this variant in disease. Therefore, it has been classified as a Variant of Uncertain Significance. Algorithms developed to predict the effect of missense changes on protein structure and function are either unavailable or do not agree on the potential impact of this missense change (SIFT: "Deleterious"; PolyPhen-2: "Not Available"; Align-GVGD: "Class C0"). This sequence change replaces leucine, which is neutral and non-polar, with valine, which is neutral and non-polar, at codon 3196 of the NEB protein (p.Leu3196Val). This variant is not present in population databases (gnomAD no frequency).